The following is an entry in ClinVar:

NM_001365951.3(KIF1B):c.4567C>T (p.Pro1523Ser)

Gene: KIF1B (kinesin family member 1B; plus strand). Cytogenetic location: 1p36.22.
Variant type: single nucleotide variant.
Coding change: c.4567C>T on transcript NM_001365951.3 (MANE Select); coding-DNA position 4567, C replaced by T.
Protein change: p.Pro1523Ser; replaces proline 1523 with serine.
Molecular consequence: missense variant.
Genome position (GRCh38, 1-based): chr1:10,365,463, C>T. VCF-style: chr1-10365463-C-T. GRCh37 (hg19) VCF-style: chr1-10425521-C-T.
Other names: c.4567C>T, p.Pro1523Ser (NM_001365952.1); c.4429C>T, p.Pro1477Ser (NM_015074.3); short protein forms P1477S, P1523S.
Identifiers: ClinVar variation 2433133 (VCV002433133.4), dbSNP rs1423618847, ClinGen allele CA338321876.

ClinVar aggregate classification (germline): Uncertain significance. Review status: criteria provided, multiple submitters, no conflicts (2 of 4 stars). 2 submissions from 2 submitters: Uncertain significance (2). Last evaluated 2025-05-19.

Conditions:
Charcot-Marie-Tooth disease type 2A1. Also called: CHARCOT-MARIE-TOOTH DISEASE, AXONAL, TYPE 2A1; CHARCOT-MARIE-TOOTH DISEASE, AXONAL, AUTOSOMAL DOMINANT, TYPE 2A1; CHARCOT-MARIE-TOOTH DISEASE, NEURONAL, TYPE 2A1; CHARCOT-MARIE-TOOTH NEUROPATHY, TYPE 2A1; HEREDITARY MOTOR AND SENSORY NEUROPATHY IIA1. Identifiers: Orphanet 99946, MedGen C1861678, MONDO:0007308, OMIM 118210.

Allele frequency attached by ClinVar (database versions not stated): gnomAD exomes below 0.00001.
gnomAD v4.1: 1 of 1,614,108 alleles (0.000062%); highest among the groups gnomAD compares: South Asian, 0.0011%; no homozygotes.

Submissions (2):

Ambry Genetics
Classification: Uncertain significance. Last evaluated: 2025-05-19. Review status: criteria provided, single submitter. Criteria: Ambry Variant Classification Scheme 2023. Collection method: clinical testing. Allele origin: germline.
Comment: The p.P1477S variant (also known as c.4429C>T), located in coding exon 40 of the KIF1B gene, results from a C to T substitution at nucleotide position 4429. The proline at codon 1477 is replaced by serine, an amino acid with similar properties. This amino acid position is conserved. In addition, this alteration is predicted to be tolerated by in silico analysis. Based on the available evidence, the clinical significance of this variant remains unclear.

Revvity Omics, Revvity
Classification: Uncertain significance for Charcot-Marie-Tooth disease type 2A1. Last evaluated: 2021-10-09. Review status: criteria provided, single submitter. Criteria: ACMG Guidelines, 2015. Collection method: clinical testing. Allele origin: germline.